The following is an entry in ClinVar:

NM_198859.4(PRICKLE2):c.2218T>C (p.Ser740Pro)

Genes: PRICKLE2-AS1 (PRICKLE2 antisense RNA 1; plus strand), PRICKLE2 (prickle planar cell polarity protein 2; minus strand). Cytogenetic location: 3p14.1.
Variant type: single nucleotide variant.
Coding change: c.2218T>C on transcript NM_198859.4 (MANE Select); coding-DNA position 2218, T replaced by C.
Protein change: p.Ser740Pro; replaces serine 740 with proline.
Molecular consequence: missense variant. On other transcripts: non-coding transcript variant (1).
Genome position (GRCh38, 1-based): chr3:64,099,368, A>G on the plus strand (T>C on the coding strand, the complement: PRICKLE2 is on the minus strand). VCF-style: chr3-64099368-A-G. GRCh37 (hg19) VCF-style: chr3-64085044-A-G.
Other names: c.2218T>C, p.Ser740Pro (NM_001370528.1); short protein forms S740P.
Identifiers: ClinVar variation 3664618 (VCV003664618.2).

ClinVar aggregate classification (germline): Uncertain significance (1 of 4 stars; one submission).

Conditions:
Progressive myoclonic epilepsy type 5. Identifiers: Orphanet 402082, MedGen C5190799.

gnomAD v4.1: 7 of 1,609,764 alleles (0.00043%); highest among the groups gnomAD compares: African/African-American, 0.0054%; no homozygotes.

Submission:

Labcorp Genetics (formerly Invitae), Labcorp
Classification: Uncertain significance for Progressive myoclonic epilepsy type 5. Last evaluated: 2024-04-10. Review status: criteria provided, single submitter. Criteria: Invitae Variant Classification Sherloc (09022015). Collection method: clinical testing. Allele origin: germline.
Comment: This sequence change replaces serine, which is neutral and polar, with proline, which is neutral and non-polar, at codon 740 of the PRICKLE2 protein (p.Ser740Pro). This variant is present in population databases (no rsID available, gnomAD 0.01%). This variant has not been reported in the literature in individuals affected with PRICKLE2-related conditions. Advanced modeling of protein sequence and biophysical properties (such as structural, functional, and spatial information, amino acid conservation, physicochemical variation, residue mobility, and thermodynamic stability) performed at Invitae indicates that this missense variant is not expected to disrupt PRICKLE2 protein function with a negative predictive value of 80%. In summary, the available evidence is currently insufficient to determine the role of this variant in disease. Therefore, it has been classified as a Variant of Uncertain Significance.